The following is an entry in ClinVar:

NM_003280.3(TNNC1):c.175dup (p.Glu59fs)

Gene: TNNC1 (troponin C1, slow skeletal and cardiac type; minus strand). Cytogenetic location: 3p21.1.
Variant type: Duplication.
Coding change: c.175dup on transcript NM_003280.3 (MANE Select); coding-DNA position 175, one base duplicated (G; older notation c.175dupG).
Protein change: p.Glu59fs; shifts the reading frame from glutamic acid 59.
Molecular consequence: frameshift variant.
Genome position (GRCh38, 1-based): chr3:52,452,133, C duplicated on the plus strand (G on the coding strand, the reverse complement: TNNC1 is on the minus strand); the first of 2 consecutive C bases (chr3:52,452,133-52,452,134); duplicating either gives the same sequence. VCF-style (leftmost placement, unchanged base first): chr3-52452132-T-TC. GRCh37 (hg19) VCF-style: chr3-52486148-T-TC.
Other names: c.175dup (LRG_378t1); short protein forms E59fs.
Identifiers: ClinVar variation 409872 (VCV000409872.6), dbSNP rs1060502609, ClinGen allele CA16611462.

ClinVar aggregate classification (germline): Uncertain significance. Review status: criteria provided, multiple submitters, no conflicts (2 of 4 stars). 2 submissions from 2 submitters: Uncertain significance (2). Last evaluated 2025-08-17.

Conditions:
Dilated cardiomyopathy 1Z (CMD1Z). Identifiers: Orphanet 154, MedGen C2678475, MONDO:0012745, OMIM 611879.
Hypertrophic cardiomyopathy 13. Also called: TNNC1-Related Familial Hypertrophic Cardiomyopathy. Identifiers: MedGen C2750472, MONDO:0013195, OMIM 613243.

Submissions (2):

Labcorp Genetics (formerly Invitae), Labcorp
Classification: Uncertain significance for Hypertrophic cardiomyopathy 13; Dilated cardiomyopathy 1Z. Last evaluated: 2025-08-17. Review status: criteria provided, single submitter. Criteria: Invitae Variant Classification Sherloc (09022015). Collection method: clinical testing. Allele origin: germline.
Comment: This sequence change creates a premature translational stop signal (p.Glu59Glyfs*5) in the TNNC1 gene. It is expected to result in an absent or disrupted protein product. However, the current clinical and genetic evidence is not sufficient to establish whether loss-of-function variants in TNNC1 cause disease. This variant is not present in population databases (gnomAD no frequency). This variant has not been reported in the literature in individuals affected with TNNC1-related conditions. ClinVar contains an entry for this variant (Variation ID: 409872). In summary, the available evidence is currently insufficient to determine the role of this variant in disease. Therefore, it has been classified as a Variant of Uncertain Significance.

Fulgent Genetics
Classification: Uncertain significance for Dilated cardiomyopathy 1Z; Hypertrophic cardiomyopathy 13. Last evaluated: 2021-12-14. Review status: criteria provided, single submitter. Criteria: ACMG Guidelines, 2015. Collection method: clinical testing. Allele origin: unknown.